The following is an entry in ClinVar:

ClinVar aggregate classification (germline): Uncertain significance (1 of 4 stars; one submission).

Submission:

GeneDx
Classification: Uncertain significance. Last evaluated: 2023-12-08. Review status: criteria provided, single submitter. Criteria: GeneDx Variant Classification Process June 2021. Collection method: clinical testing. Allele origin: germline. Affected: yes.
Comment: Not observed at significant frequency in large population cohorts (gnomAD); In silico analysis supports that this missense variant has a deleterious effect on protein structure/function; Has not been previously published as pathogenic or benign to our knowledge

NM_002700.3(POU4F3):c.948C>A (p.Asn316Lys)

Genes: POU4F3 (POU class 4 homeobox 3; plus strand), RBM27-POU4F3 (RBM27-POU4F3 readthrough; plus strand). Cytogenetic location: 5q32.
Variant type: single nucleotide variant.
Coding change: c.948C>A on transcript NM_002700.3 (MANE Select); coding-DNA position 948, C replaced by A.
Protein change: p.Asn316Lys; replaces asparagine 316 with lysine.
Molecular consequence: missense variant. On other transcripts: 3 prime UTR variant (1).
Genome position (GRCh38, 1-based): chr5:146,340,375, C>A. VCF-style: chr5-146340375-C-A. GRCh37 (hg19) VCF-style: chr5-145719938-C-A.
Other names: c.*817C>A (NM_001414499.1); short protein forms N316K.
Identifiers: ClinVar variation 3252584 (VCV003252584.1), dbSNP rs149303333.